The following is an entry in ClinVar:

NM_001005242.3(PKP2):c.1164G>A (p.Arg388=)

Gene: PKP2 (plakophilin 2; minus strand). Cytogenetic location: 12p11.21.
Variant type: single nucleotide variant.
Coding change: c.1164G>A on transcript NM_001005242.3 (MANE Select); coding-DNA position 1164, G replaced by A.
Protein change: p.Arg388=; no amino-acid change (arginine 388 retained).
Molecular consequence: synonymous variant.
Genome position (GRCh38, 1-based): chr12:32,868,933, C>T on the plus strand (G>A on the coding strand, the complement: PKP2 is on the minus strand). VCF-style: chr12-32868933-C-T. GRCh37 (hg19) VCF-style: chr12-33021867-C-T.
Other names: c.1164G>A, p.Arg388= (NM_001407161.1, NM_004572.4, NM_001407155.1 and 2 more transcripts); c.837G>A, p.Arg279= (NM_001407162.1, NM_001407158.1, NM_001407159.1 and 1 more transcripts).
Identifiers: ClinVar variation 3072254 (VCV003072254.3), dbSNP rs1317005784, ClinGen allele CA479174545.

ClinVar aggregate classification (germline): Likely benign. Review status: criteria provided, multiple submitters, no conflicts (2 of 4 stars). 2 submissions from 2 submitters: Likely benign (2). Last evaluated 2025-01-15.

Conditions:
Arrhythmogenic right ventricular dysplasia 9 (ARVD9). Also called: Arrhythmogenic Right Ventricular Dysplasia/Cardiomyopathy 9; ARRHYTHMOGENIC RIGHT VENTRICULAR DYSPLASIA, FAMILIAL, 9. Identifiers: MedGen C1836906, MONDO:0012180, OMIM 609040.
Arrhythmogenic right ventricular cardiomyopathy (ARVD). Also called: Arrhythmogenic right ventricular dysplasia; Cardiomyopathy, ARVC; Arrhythmogenic cardiomyopathy; Arrhythmogenic Right Ventricular Cardiomyopathy (ARVC). Identifiers: Orphanet 247, MedGen C0349788, MeSH D019571, MONDO:0016587. Disease mechanism: loss of function. Inheritance: Various modes of inheritance.

Allele frequency attached by ClinVar (database versions not stated): gnomAD 0.00001; TOPMed 0.00001.
gnomAD v4.1: 3 of 1,612,932 alleles (0.00019%); highest among the groups gnomAD compares: Non-Finnish European, 0.00025%; no homozygotes.

Submissions (2):

Labcorp Genetics (formerly Invitae), Labcorp
Classification: Likely benign for Arrhythmogenic right ventricular dysplasia 9. Last evaluated: 2025-01-15. Review status: criteria provided, single submitter. Criteria: Invitae Variant Classification Sherloc (09022015). Collection method: clinical testing. Allele origin: germline.

All of Us Research Program, National Institutes of Health
Classification: Likely benign for Arrhythmogenic right ventricular cardiomyopathy. Last evaluated: 2023-06-26. Review status: criteria provided, single submitter. Criteria: ACMG Guidelines, 2015. Collection method: clinical testing. Allele origin: germline. Inheritance: Autosomal dominant inheritance. Observed: 1 variant allele, 1 heterozygote.
Comment: This study involves interpretation of variants in research participants for the purpose of population health screening. Participant phenotype was not available at the time of variant classification. Additional details can be found in publication PMID: 35346344, PMCID: PMC8962531